The following is an entry in ClinVar:

NM_000274.4(OAT):c.1179_1182dup (p.Leu395fs)

Gene: OAT (ornithine aminotransferase; minus strand). Cytogenetic location: 10q26.13.
Variant type: Microsatellite.
Coding change: c.1179_1182dup on transcript NM_000274.4 (MANE Select); coding-DNA positions 1179 to 1182, 4 bases duplicated (GTGT; older notation c.1179_1182dupGTGT).
Protein change: p.Leu395fs; shifts the reading frame from leucine 395.
Molecular consequence: frameshift variant.
Genome position (GRCh38, 1-based): chr10:124,398,080-124,398,083, ACAC duplicated on the plus strand (GTGT on the coding strand, the reverse complement: OAT is on the minus strand); duplicating any 4 consecutive bases within chr10:124,398,080-124,398,085 gives the same sequence; the c. name uses the placement nearest the transcript's 3' end. VCF-style (leftmost placement, unchanged base first): chr10-124398079-G-GACAC. GRCh37 (hg19) VCF-style: chr10-126086648-G-GACAC.
Other names: c.765_768dup, p.Leu257fs (NM_001171814.2); c.1179_1182dup, p.Leu395fs (NM_001322965.2, NM_001322966.2, NM_001322967.2 and 3 more transcripts); c.858_861dup, p.Leu288fs (NM_001322971.2); c.579_582dup, p.Leu195fs (NM_001322974.2); short protein forms L257fs, L395fs, L288fs, L195fs.
Identifiers: ClinVar variation 1445996 (VCV001445996.8), dbSNP rs2134440572, ClinGen allele CA2580616882.
Genomic context (GRCh38, chr10:124,398,079, plus strand): 5'-CAAACCTGATAATGTCGCCATGGGTTGGCTTGGCCAGAAGTCCATTATCTCGAAGTCGTA[G>GACAC]ACACACCTTCCAAGCATCCCAATCTAAAGAAAAATAGTAAAACGTACATGCTCAAAGATA-3'

ClinVar aggregate classification (germline): Pathogenic (1 of 4 stars; one submission).

Conditions:
Ornithine aminotransferase deficiency (GACR). Also called: Ornithine ketoacid aminotransferase deficiency; Gyrate atrophy; Gyrate atrophy of choroid and retina; Girate atrophy of the retina; HYPERORNITHINEMIA WITH GYRATE ATROPHY OF CHOROID AND RETINA; OAT DEFICIENCY. Identifiers: Orphanet 414, MedGen C0018425, MONDO:0009796, OMIM 258870.

Submission:

Labcorp Genetics (formerly Invitae), Labcorp
Classification: Pathogenic for Ornithine aminotransferase deficiency. Last evaluated: 2021-05-08. Review status: criteria provided, single submitter. Criteria: Invitae Variant Classification Sherloc (09022015). Collection method: clinical testing. Allele origin: germline.
Comment: For these reasons, this variant has been classified as Pathogenic. This variant disrupts the C-terminus of the OAT protein. Other variant(s) that disrupt this region (p.Arg426*) have been determined to be pathogenic (PMID: 7887415, 23076989). This suggests that variants that disrupt this region of the protein are likely to be causative of disease. This variant has not been reported in the literature in individuals with OAT-related conditions. This variant is not present in population databases (ExAC no frequency). This sequence change creates a premature translational stop signal (p.Leu395Valfs*7) in the OAT gene. While this is not anticipated to result in nonsense mediated decay, it is expected to disrupt the last 45 amino acid(s) of the OAT protein.

Literature cited by the submitters: PubMed 7887415; PubMed 23076989.